The following is an entry in ClinVar:

NM_000443.4(ABCB4):c.3082-9T>A

Gene: ABCB4 (ATP binding cassette subfamily B member 4; minus strand). Cytogenetic location: 7q21.12.
Variant type: single nucleotide variant.
Coding change: c.3082-9T>A on transcript NM_000443.4 (MANE Select); 9 bases into the intron before coding-DNA position 3082, T replaced by A.
Molecular consequence: intron variant.
Genome position (GRCh38, 1-based): chr7:87,408,243, A>T on the plus strand (T>A on the coding strand, the complement: ABCB4 is on the minus strand). VCF-style: chr7-87408243-A-T. GRCh37 (hg19) VCF-style: chr7-87037559-A-T.
Other names: c.2941-9T>A (NM_018850.3); c.3082-9T>A (NM_018849.3).
Identifiers: ClinVar variation 4998709 (VCV004998709.1).

ClinVar aggregate classification (germline): Uncertain significance (1 of 4 stars; one submission).

Conditions:
ABCB4-related disorder. Also called: ABCB4-related disorders; ABCB4-related condition.

gnomAD v4.1: 4 of 1,610,664 alleles (0.00025%); highest among the groups gnomAD compares: South Asian, 0.0044%; no homozygotes.

Submission:

PreventionGenetics, part of Exact Sciences
Classification: Uncertain significance for ABCB4-related condition. Last evaluated: 2025-06-26. Review status: criteria provided, single submitter. Criteria: ACMG Guidelines, 2015. Collection method: clinical testing. Allele origin: germline.
Comment: The ABCB4 c.3082-9T>A variant is predicted to interfere with splicing. To our knowledge, this variant has not been reported in the literature or in a large population database (gnomAD), indicating this variant is rare. At this time, the clinical significance of this variant is uncertain due to the absence of conclusive functional and genetic evidence.